The following is an entry in ClinVar:

ClinVar aggregate classification (germline): Pathogenic/Likely pathogenic. Review status: criteria provided, multiple submitters, no conflicts (2 of 4 stars). 2 submissions from 2 submitters: Pathogenic (1); Likely pathogenic (1). Last evaluated 2025-09-24.

Conditions:
Achromatopsia 3 (ACHM3). Also called: ACHROMATOPSIA WITH MYOPIA; PINGELAPESE BLINDNESS; TOTAL COLORBLINDNESS WITH MYOPIA; ROD MONOCHROMACY 1; ROD MONOCHROMATISM 1. Identifiers: Orphanet 49382, MedGen C1849792, MONDO:0009875, OMIM 262300.

gnomAD v4.1: 1 of 1,614,132 alleles (0.000062%); highest among the groups gnomAD compares: South Asian, 0.0011%; no homozygotes.

Submissions (2):

First Genomix Gene Laboratory, Genetic Diagnostics Department
Classification: Likely pathogenic for Achromatopsia 3. Last evaluated: 2025-09-24. Review status: criteria provided, single submitter. Criteria: ACMG Guidelines, 2015. Collection method: clinical testing. Allele origin: germline. Inheritance: Autosomal recessive inheritance. Affected: no. Observed: 1 variant allele.

Myriad Genetics, Inc.
Classification: Pathogenic for Achromatopsia 3. Last evaluated: 2024-07-20. Review status: criteria provided, single submitter. Criteria: Myriad Autosomal Dominant, Autosomal Recessive and X-Linked Classification Criteria (2023). Collection method: clinical testing. Allele origin: unknown.
Comment: NM_019098.4(CNGB3):c.1873C>T(Q625*) is expected to be pathogenic in the context of achromatopsia, CNGB3-related. This variant is predicted to lead to an abnormal or absent protein product due to the creation of a premature termination codon in CNGB3, a gene where loss-of-function variants are known to be pathogenic. Please note: this variant was assessed in the context of healthy population screening.

NM_019098.5(CNGB3):c.1873C>T (p.Gln625Ter)

Gene: CNGB3 (cyclic nucleotide gated channel subunit beta 3; minus strand). Cytogenetic location: 8q21.3.
Variant type: single nucleotide variant.
Coding change: c.1873C>T on transcript NM_019098.5 (MANE Select); coding-DNA position 1873, C replaced by T.
Protein change: p.Gln625Ter; replaces glutamine 625 with a stop codon.
Molecular consequence: nonsense.
Genome position (GRCh38, 1-based): chr8:86,579,161, G>A on the plus strand (C>T on the coding strand, the complement: CNGB3 is on the minus strand). VCF-style: chr8-86579161-G-A. GRCh37 (hg19) VCF-style: chr8-87591389-G-A.
Other names: short protein forms Q625*.
Identifiers: ClinVar variation 4850455 (VCV004850455.2).
Genomic context (GRCh38, chr8:86,579,161, plus strand): 5'-TGTACCTGGCTTTCTTCATGAGGATCCTTTCAGAATCTGGATAATGCACTAGAATTTCTT[G>A]GAGGGTCTTTTTGTCTAGAGTTAAAAGATTGGCAAACCCGTGGGCCACCACATTGGCAGT-3'